The following is an entry in ClinVar:

ClinVar aggregate classification (germline): Uncertain significance. Review status: criteria provided, multiple submitters, no conflicts (2 of 4 stars). 3 submissions from 3 submitters: Uncertain significance (3). Last evaluated 2025-02-27.

Conditions:
Familial hypocalciuric hypercalcemia 1. Also called: Hypercalcemia, familial benign type 1. Identifiers: Orphanet 405, Orphanet 93372, MedGen C0342637, MONDO:0007791, OMIM 145980.

Submissions (3):

MVZ Medizinische Genetik Mainz
Classification: Uncertain significance for Familial hypocalciuric hypercalcemia 1. Last evaluated: 2025-02-27. Review status: criteria provided, single submitter. Criteria: UK Practice Guidelines For Variant Classification V4 01 2020. Collection method: clinical testing. Allele origin: germline. Inheritance: Autosomal dominant inheritance. Affected: yes. Observed: 1 variant allele.
Comment: ACMG Criteria: PM2_SUP,PP2,PP3,PP4

Blueprint Genetics
Classification: Uncertain significance. Last evaluated: 2023-12-27. Review status: criteria provided, single submitter. Criteria: ACMG Guidelines, 2015. Collection method: clinical testing. Allele origin: germline.

Institute for Clinical Genetics, University Hospital TU Dresden, University Hospital TU Dresden
Classification: Uncertain significance. Last evaluated: 2021-11-03. Review status: criteria provided, single submitter. Criteria: ACMG Guidelines, 2015. Collection method: clinical testing. Allele origin: germline.

NM_000388.4(CASR):c.325G>A (p.Glu109Lys)

Gene: CASR (calcium sensing receptor; plus strand). Cytogenetic location: 3q21.1.
Variant type: single nucleotide variant.
Coding change: c.325G>A on transcript NM_000388.4 (MANE Select); coding-DNA position 325, G replaced by A.
Protein change: p.Glu109Lys; replaces glutamic acid 109 with lysine.
Molecular consequence: missense variant.
Genome position (GRCh38, 1-based): chr3:122,257,220, G>A. VCF-style: chr3-122257220-G-A. GRCh37 (hg19) VCF-style: chr3-121976067-G-A.
Other names: c.325G>A, p.Glu109Lys (NM_001178065.2); short protein forms E109K.
Identifiers: ClinVar variation 1319286 (VCV001319286.5), dbSNP rs868732014, ClinGen allele CA82609978.